The following is an entry in ClinVar:

NM_025137.4(SPG11):c.3399G>T (p.Gln1133His)

Gene: SPG11 (SPG11 vesicle trafficking associated, spatacsin; minus strand). Cytogenetic location: 15q21.1.
Variant type: single nucleotide variant.
Coding change: c.3399G>T on transcript NM_025137.4 (MANE Select); coding-DNA position 3399, G replaced by T.
Protein change: p.Gln1133His; replaces glutamine 1133 with histidine.
Molecular consequence: missense variant.
Genome position (GRCh38, 1-based): chr15:44,608,498, C>A on the plus strand (G>T on the coding strand, the complement: SPG11 is on the minus strand). VCF-style: chr15-44608498-C-A. GRCh37 (hg19) VCF-style: chr15-44900696-C-A.
Other names: c.3399G>T, p.Gln1133His (NM_001160227.2); c.3399G>T (NM_025137.3); short protein forms Q1133H.
Identifiers: ClinVar variation 1366099 (VCV001366099.7), dbSNP rs1051475016, ClinGen allele CA392224883.

ClinVar aggregate classification (germline): Uncertain significance. Review status: criteria provided, multiple submitters, no conflicts (2 of 4 stars). 2 submissions from 2 submitters: Uncertain significance (2). Last evaluated 2025-02-17.

Conditions:
Hereditary spastic paraplegia 11. Also called: Spastic paraplegia, mental retardation and thin corpus callosum; Spastic Paraplegia 11; Nakamura Osame syndrome; Autosomal recessive hereditary spastic paraplegia, mental impairment, and thin corpus callosum; SPASTIC PARAPLEGIA, AUTOSOMAL RECESSIVE, COMPLICATED, WITH THIN CORPUS CALLOSUM; SPASTIC PARAPLEGIA, AUTOSOMAL RECESSIVE, WITH MENTAL IMPAIRMENT AND THIN CORPUS CALLOSUM. Identifiers: Orphanet 2822, MedGen C1858479, MONDO:0011445, OMIM 604360.

Allele frequency attached by ClinVar (database versions not stated): gnomAD exomes below 0.00001.
gnomAD v4.1: 5 of 1,614,104 alleles (0.00031%); highest among the groups gnomAD compares: Admixed American, 0.0017%; no homozygotes.

Submissions (2):

Labcorp Genetics (formerly Invitae), Labcorp
Classification: Uncertain significance for Hereditary spastic paraplegia 11. Last evaluated: 2025-02-17. Review status: criteria provided, single submitter. Criteria: Invitae Variant Classification Sherloc (09022015). Collection method: clinical testing. Allele origin: germline.
Comment: This sequence change replaces glutamine, which is neutral and polar, with histidine, which is basic and polar, at codon 1133 of the SPG11 protein (p.Gln1133His). This variant is present in population databases (no rsID available, gnomAD 0.003%). This variant has not been reported in the literature in individuals affected with SPG11-related conditions. ClinVar contains an entry for this variant (Variation ID: 1366099). Invitae Evidence Modeling of protein sequence and biophysical properties (such as structural, functional, and spatial information, amino acid conservation, physicochemical variation, residue mobility, and thermodynamic stability) indicates that this missense variant is expected to disrupt SPG11 protein function with a positive predictive value of 80%. In summary, the available evidence is currently insufficient to determine the role of this variant in disease. Therefore, it has been classified as a Variant of Uncertain Significance.

GeneDx
Classification: Uncertain significance. Last evaluated: 2024-06-07. Review status: criteria provided, single submitter. Criteria: GeneDx Variant Classification Process June 2021. Collection method: clinical testing. Allele origin: germline. Affected: yes.
Comment: Not observed at significant frequency in large population cohorts (gnomAD); In silico analysis indicates that this missense variant does not alter protein structure/function; Has not been previously published as pathogenic or benign to our knowledge